The following is an entry in ClinVar:

NM_001009999.3(KDM1A):c.2596C>G (p.Pro866Ala)

Gene: KDM1A (lysine demethylase 1A; plus strand). Cytogenetic location: 1p36.12.
Variant type: single nucleotide variant.
Coding change: c.2596C>G on transcript NM_001009999.3 (MANE Select); coding-DNA position 2596, C replaced by G.
Protein change: p.Pro866Ala; replaces proline 866 with alanine.
Molecular consequence: missense variant. On other transcripts: 3 prime UTR variant (1).
Genome position (GRCh38, 1-based): chr1:23,083,329, C>G. VCF-style: chr1-23083329-C-G. GRCh37 (hg19) VCF-style: chr1-23409822-C-G.
Other names: c.2542C>G, p.Pro848Ala (NM_001363654.2); c.2602C>G, p.Pro868Ala (NM_001410762.1); c.*844C>G (NM_001410763.1); c.2524C>G, p.Pro842Ala (NM_015013.4); short protein forms P866A, P842A, P848A, P868A.
Identifiers: ClinVar variation 4826127 (VCV004826127.1).

ClinVar aggregate classification (germline): Uncertain significance (1 of 4 stars; one submission).

Conditions:
Inborn genetic diseases. Identifiers: MedGen C0950123, MeSH D030342.

Submission:

Ambry Genetics
Classification: Uncertain significance for Inborn genetic diseases. Last evaluated: 2026-03-12. Review status: criteria provided, single submitter. Criteria: Ambry Variant Classification Scheme 2023. Collection method: clinical testing. Allele origin: germline.
Comment: The p.P866A variant (also known as c.2596C>G), located in coding exon 21 of the KDM1A gene, results from a C to G substitution at nucleotide position 2596. The proline at codon 866 is replaced by alanine, an amino acid with highly similar properties. This amino acid position is conserved. In addition, this alteration is predicted to be tolerated by in silico analysis. Based on the available evidence, the clinical significance of this variant remains unclear.